The following is an entry in ClinVar:

NM_005591.4(MRE11):c.407A>C (p.Asp136Ala)

Gene: MRE11 (MRE11 double strand break repair nuclease; minus strand). Cytogenetic location: 11q21.
Variant type: single nucleotide variant.
Coding change: c.407A>C on transcript NM_005591.4 (MANE Select); coding-DNA position 407, A replaced by C.
Protein change: p.Asp136Ala; replaces aspartic acid 136 with alanine.
Molecular consequence: missense variant.
Genome position (GRCh38, 1-based): chr11:94,478,872, T>G on the plus strand (A>C on the coding strand, the complement: MRE11 is on the minus strand). VCF-style: chr11-94478872-T-G. GRCh37 (hg19) VCF-style: chr11-94212038-T-G.
Other names: c.407A>C, p.Asp136Ala (NM_001330347.2, NM_005590.4); short protein forms D136A.
Identifiers: ClinVar variation 2586205 (VCV002586205.2), dbSNP rs1408485403, ClinGen allele CA382377809.
Genomic context (GRCh38, chr11:94,478,872, plus strand): 5'-GAACGTCCAAAGTGATTTACAAATCCAGCACAACTTAAAATGTCCAAGGCACAAAGTGCA[T>G]CTGCCTATGCAAAATAATTTCAAAGAATGTTAGTGTGTATGTAAAAGTAGGTATCTGCAT-3'
Protein context (NP_005582.1, residues 126-146): HGNHDDPTGA[Asp136Ala]ALCALDILSC

ClinVar aggregate classification (germline): Uncertain significance (1 of 4 stars; one submission).

Conditions:
Hereditary cancer-predisposing syndrome. Also called: Hereditary neoplastic syndrome; Tumor predisposition; Hereditary Cancer Syndrome; Neoplastic Syndromes, Hereditary. Identifiers: Orphanet 140162, MedGen C0027672, MeSH D009386, MONDO:0015356.

gnomAD v4.1: 1 of 1,613,676 alleles (0.000062%); highest among the groups gnomAD compares: Non-Finnish European, 0.000085%; no homozygotes.

Submission:

Ambry Genetics
Classification: Uncertain significance for Hereditary cancer-predisposing syndrome. Last evaluated: 2023-07-10. Review status: criteria provided, single submitter. Criteria: Ambry Variant Classification Scheme 2023. Collection method: clinical testing. Allele origin: germline.
Comment: The p.D136A variant (also known as c.407A>C), located in coding exon 5 of the MRE11A gene, results from an A to C substitution at nucleotide position 407. The aspartic acid at codon 136 is replaced by alanine, an amino acid with dissimilar properties. This amino acid position is conserved. In addition, the in silico prediction for this alteration is inconclusive. Since supporting evidence is limited at this time, the clinical significance of this alteration remains unclear.